The following is an entry in ClinVar:

ClinVar aggregate classification (germline): Uncertain significance (1 of 4 stars; one submission).

Conditions:
Compton-North congenital myopathy (CMYO12). Identifiers: Orphanet 210163, MedGen C2675527, MONDO:0012929, OMIM 612540.

Submission:

Labcorp Genetics (formerly Invitae), Labcorp
Classification: Uncertain significance for Compton-North congenital myopathy. Last evaluated: 2018-08-05. Review status: criteria provided, single submitter. Criteria: Invitae Variant Classification Sherloc (09022015). Collection method: clinical testing. Allele origin: germline.
Comment: This sequence change replaces lysine with threonine at codon 790 of the CNTN1 protein (p.Lys790Thr). The lysine residue is highly conserved and there is a moderate physicochemical difference between lysine and threonine. This variant is not present in population databases (ExAC no frequency). This variant has not been reported in the literature in individuals with CNTN1-related disease. Algorithms developed to predict the effect of missense changes on protein structure and function are either unavailable or do not agree on the potential impact of this missense change (SIFT: "Tolerated"; PolyPhen-2: "Possibly Damaging"; Align-GVGD: "Class C0"). In summary, the available evidence is currently insufficient to determine the role of this variant in disease. Therefore, it has been classified as a Variant of Uncertain Significance.

NM_001843.4(CNTN1):c.2369A>C (p.Lys790Thr)

Gene: CNTN1 (contactin 1; plus strand). Cytogenetic location: 12q12.
Variant type: single nucleotide variant.
Coding change: c.2369A>C on transcript NM_001843.4 (MANE Select); coding-DNA position 2369, A replaced by C.
Protein change: p.Lys790Thr; replaces lysine 790 with threonine.
Molecular consequence: missense variant.
Genome position (GRCh38, 1-based): chr12:41,016,866, A>C. VCF-style: chr12-41016866-A-C. GRCh37 (hg19) VCF-style: chr12-41410668-A-C.
Other names: c.2336A>C, p.Lys779Thr (NM_175038.2); short protein forms K790T, K779T.
Identifiers: ClinVar variation 655537 (VCV000655537.9), dbSNP rs771483189, ClinGen allele CA384587019.